The following is an entry in ClinVar:

NM_002485.5(NBN):c.1845+2T>G

Gene: NBN (nibrin; minus strand). Cytogenetic location: 8q21.3.
Variant type: single nucleotide variant.
Coding change: c.1845+2T>G on transcript NM_002485.5 (MANE Select); the canonical splice donor site of the intron after coding-DNA position 1845, T replaced by G.
Molecular consequence: splice donor variant.
Genome position (GRCh38, 1-based): chr8:89,953,242, A>C on the plus strand (T>G on the coding strand, the complement: NBN is on the minus strand). VCF-style: chr8-89953242-A-C. GRCh37 (hg19) VCF-style: chr8-90965470-A-C.
Other names: c.1599+2T>G (NM_001024688.3).
Identifiers: ClinVar variation 2123080 (VCV002123080.4), dbSNP rs1586052622, ClinGen allele CA371654957.

ClinVar aggregate classification (germline): Likely pathogenic (1 of 4 stars; one submission).

Conditions:
Microcephaly, normal intelligence and immunodeficiency (NBS). Also called: Nijmegen breakage syndrome; Microcephaly with normal intelligence immunodeficiency and lymphoreticular malignancies; Nonsyndromal microcephaly autosomal recessive with normal intelligence; Seemanova syndrome 2; Immunodeficiency, microcephaly with normal intelligence; Ataxia telangiectasia variant V1. Identifiers: Orphanet 647, MedGen C0398791, MONDO:0009623, OMIM 251260.

Submission:

Labcorp Genetics (formerly Invitae), Labcorp
Classification: Likely pathogenic for Microcephaly, normal intelligence and immunodeficiency. Last evaluated: 2022-04-08. Review status: criteria provided, single submitter. Criteria: Invitae Variant Classification Sherloc (09022015). Collection method: clinical testing. Allele origin: germline.
Comment: In summary, the currently available evidence indicates that the variant is pathogenic, but additional data are needed to prove that conclusively. Therefore, this variant has been classified as Likely Pathogenic. Algorithms developed to predict the effect of sequence changes on RNA splicing suggest that this variant may disrupt the consensus splice site. This variant has not been reported in the literature in individuals affected with NBN-related conditions. This variant is not present in population databases (gnomAD no frequency). This sequence change affects a donor splice site in intron 11 of the NBN gene. It is expected to disrupt RNA splicing. Variants that disrupt the donor or acceptor splice site typically lead to a loss of protein function (PMID: 16199547), and loss-of-function variants in NBN are known to be pathogenic (PMID: 9590180, 16415040).

Literature cited by the submitters: PubMed 16199547; PubMed 9590180; PubMed 16415040.